The following is an entry in ClinVar:

ClinVar aggregate classification (germline): Uncertain significance (1 of 4 stars; one submission).

Submission:

CeGaT Center for Human Genetics Tuebingen
Classification: Uncertain significance. Last evaluated: 2025-03-01. Review status: criteria provided, single submitter. Criteria: CeGaT Center For Human Genetics Tuebingen Variant Classification Criteria Version 2. Collection method: clinical testing. Allele origin: germline. Affected: yes. Observed: 1 variant allele.
Comment: ATP2B2: PM2

NM_001001331.4(ATP2B2):c.136A>G (p.Ile46Val)

Gene: ATP2B2 (ATPase plasma membrane Ca2+ transporting 2; minus strand). Cytogenetic location: 3p25.3.
Variant type: single nucleotide variant.
Coding change: c.136A>G on transcript NM_001001331.4 (MANE Select); coding-DNA position 136, A replaced by G.
Protein change: p.Ile46Val; replaces isoleucine 46 with valine.
Molecular consequence: missense variant.
Genome position (GRCh38, 1-based): chr3:10,449,408, T>C on the plus strand (A>G on the coding strand, the complement: ATP2B2 is on the minus strand). VCF-style: chr3-10449408-T-C. GRCh37 (hg19) VCF-style: chr3-10491092-T-C.
Other names: c.136A>G, p.Ile46Val (NM_001330611.3, NM_001353564.1, NM_001363862.1 and 1 more transcripts); short protein forms I46V.
Identifiers: ClinVar variation 3778487 (VCV003778487.7).
Genomic context (GRCh38, chr3:10,449,408, plus strand): 5'-CAACAGGTGAGGTTTTGAGGCGCCGGCAGATGGCTTCGGTGTCCCCATAAGTCTCCTTGA[T>C]CTTGACCACAGCCTCAGTGCCCCGCAGCTCCATGAGGGAGCGGAGCTCCTCCATTGTGCA-3'
Protein context (NP_001001331.1, residues 36-56): ELRGTEAVVK[Ile46Val]KETYGDTEAI